The following is an entry in ClinVar:

ClinVar aggregate classification (germline): Likely pathogenic (1 of 4 stars; one submission).

Conditions:
Dilated cardiomyopathy 1G (CMD1G). Identifiers: Orphanet 154, MedGen C1858763, MONDO:0011400, OMIM 604145.
Autosomal recessive limb-girdle muscular dystrophy type 2J (LGMDR10). Also called: Limb-girdle muscular dystrophy, type 2J; MUSCULAR DYSTROPHY, LIMB-GIRDLE, AUTOSOMAL RECESSIVE 10. Identifiers: Orphanet 140922, MedGen C1837342, MONDO:0012127, OMIM 608807.

Submission:

Labcorp Genetics (formerly Invitae), Labcorp
Classification: Likely pathogenic for Dilated cardiomyopathy 1G; Autosomal recessive limb-girdle muscular dystrophy type 2J. Last evaluated: 2024-10-18. Review status: criteria provided, single submitter. Criteria: Invitae Variant Classification Sherloc (09022015). Collection method: clinical testing. Allele origin: germline.
Comment: This sequence change affects a donor splice site in intron 57 of the TTN gene. It is expected to disrupt RNA splicing and likely results in a truncated or disrupted TTN protein. This variant is not present in population databases (gnomAD no frequency). This variant has not been reported in the literature in individuals affected with TTN-related conditions. ClinVar contains an entry for this variant (Variation ID: 405143). Algorithms developed to predict the effect of sequence changes on RNA splicing suggest that this variant may disrupt the consensus splice site. This variant is located in the I band of TTN (PMID: 25589632). Truncating variants in this region have been reported in individuals affected with autosomal recessive centronuclear myopathy (PMID: 23975875, internal data). Truncating variants in this region have also been identified in individuals affected with autosomal dominant dilated cardiomyopathy and/or cardio-related conditions (PMID: 27869827, 32964742, internal data). In summary, the currently available evidence indicates that the variant is pathogenic, but additional data are needed to prove that conclusively. Therefore, this variant has been classified as Likely Pathogenic.

Literature cited by the submitters: PubMed 25589632; PubMed 23975875; PubMed 27869827; PubMed 32964742.

NM_001267550.2(TTN):c.16903+2T>C

Genes: TTN (titin; minus strand), LOC126806431 (CDK7 strongly-dependent group 2 enhancer GRCh37_chr2:179595719-179596918; plus strand). Cytogenetic location: 2q31.2.
Variant type: single nucleotide variant.
Coding change: c.16903+2T>C on transcript NM_001267550.2 (MANE Select); the canonical splice donor site of the intron after coding-DNA position 16903, T replaced by C.
Molecular consequence: splice donor variant. On other transcripts: intron variant (3).
Genome position (GRCh38, 1-based): chr2:178,732,064, A>G on the plus strand (T>C on the coding strand, the complement: TTN is on the minus strand). VCF-style: chr2-178732064-A-G. GRCh37 (hg19) VCF-style: chr2-179596791-A-G.
Other names: c.13282+6018T>C (NM_003319.4); c.13858+6018T>C (NM_133437.4); c.13657+6018T>C (NM_133432.3); c.13171+2T>C (NM_133378.4); c.15952+2T>C (NM_001256850.1).
Identifiers: ClinVar variation 405143 (VCV000405143.7), dbSNP rs1060500574, ClinGen allele CA16610599.
Genomic context (GRCh38, chr2:178,732,064, plus strand): 5'-GAGGAGGGGTCTGTGCCATGGGCCATAACTTTGGCAACACAAGAGGCAAAGTGAACACAA[A>G]CCTTTGACTATTACAATGCTACTGCAGTGGTCACTGCCAGCCTCATTTTGGGCCTCACAC-3'